The following is an entry in ClinVar:

NM_020937.4(FANCM):c.1633G>A (p.Val545Met)

Gene: FANCM (FA complementation group M; plus strand). Cytogenetic location: 14q21.2.
Variant type: single nucleotide variant.
Coding change: c.1633G>A on transcript NM_020937.4 (MANE Select); coding-DNA position 1633, G replaced by A.
Protein change: p.Val545Met; replaces valine 545 with methionine.
Molecular consequence: missense variant.
Genome position (GRCh38, 1-based): chr14:45,164,410, G>A. VCF-style: chr14-45164410-G-A. GRCh37 (hg19) VCF-style: chr14-45633613-G-A.
Other names: c.1555G>A, p.Val519Met (NM_001308133.2); c.1633G>A, p.Val545Met (NM_001308134.2); short protein forms V519M, V545M.
Identifiers: ClinVar variation 4254741 (VCV004254741.1).
Genomic context (GRCh38, chr14:45,164,410, plus strand): 5'-TTATTTTAGGTAGTGAAACAGTTTCGTGACGGTGGTTACAACACGCTGGTTTCTACCTGT[G>A]TGGGTGAAGAAGGTTTGGATATAGGAGAAGTTGATCTTATAATATGTTTTGATTCCCAGA-3'
Protein context (NP_065988.1, residues 535-555): GGYNTLVSTC[Val545Met]GEEGLDIGEV

ClinVar aggregate classification (germline): Uncertain significance (1 of 4 stars; one submission).

Conditions:
Inborn genetic diseases. Identifiers: MedGen C0950123, MeSH D030342.

Submission:

Ambry Genetics
Classification: Uncertain significance for Inborn genetic diseases. Last evaluated: 2025-09-06. Review status: criteria provided, single submitter. Criteria: Ambry Variant Classification Scheme 2023. Collection method: clinical testing. Allele origin: germline.
Comment: The p.V545M variant (also known as c.1633G>A), located in coding exon 10 of the FANCM gene, results from a G to A substitution at nucleotide position 1633. The valine at codon 545 is replaced by methionine, an amino acid with highly similar properties. This amino acid position is conserved. In addition, this alteration is predicted to be deleterious by in silico analysis. Based on the available evidence, the clinical significance of this variant remains unclear.